The following is an entry in ClinVar:

ClinVar aggregate classification (germline): Benign/Likely benign. Review status: criteria provided, multiple submitters, no conflicts (2 of 4 stars). 5 submissions from 5 submitters: Benign (1); Likely benign (4). Last evaluated 2026-04-20.

Conditions:
DICER1-related tumor predisposition. Also called: DICER1-related pleuropulmonary blastoma cancer predisposition syndrome; DICER1 syndrome. Identifiers: Orphanet 284343, MedGen C3839822, MONDO:0100216.
Hereditary cancer-predisposing syndrome. Also called: Neoplastic Syndromes, Hereditary; Tumor predisposition; Hereditary Cancer Syndrome; Hereditary neoplastic syndrome. Identifiers: Orphanet 140162, MedGen C0027672, MeSH D009386, MONDO:0015356.
DICER1-related disorder. Also called: DICER1-related condition.

Allele frequency attached by ClinVar (database versions not stated): ExAC 0.00001; gnomAD 0.00001; gnomAD exomes 0.00001; TOPMed 0.00002.
gnomAD v4.1: 4 of 1,613,912 alleles (0.00025%); highest among the groups gnomAD compares: African/African-American, 0.0013%; no homozygotes.

Submissions (5):

Myriad Genetics, Inc.
Classification: Benign for DICER1-related tumor predisposition. Last evaluated: 2026-04-20. Review status: criteria provided, single submitter. Criteria: Myriad Autosomal Dominant, Autosomal Recessive and X-Linked Classification Criteria (2023). Collection method: clinical testing. Allele origin: unknown.
Comment: This variant is considered benign. This variant is a silent/synonymous amino acid change and it is not expected to impact splicing.

Labcorp Genetics (formerly Invitae), Labcorp
Classification: Likely benign for DICER1-related tumor predisposition. Last evaluated: 2025-09-24. Review status: criteria provided, single submitter. Criteria: Invitae Variant Classification Sherloc (09022015). Collection method: clinical testing. Allele origin: germline.

PreventionGenetics, part of Exact Sciences
Classification: Likely benign for DICER1-related condition. Last evaluated: 2025-04-23. Review status: criteria provided, single submitter. Criteria: ACMG Guidelines, 2015. Collection method: clinical testing. Allele origin: germline.
Comment: This variant is classified as likely benign based on ACMG/AMP sequence variant interpretation guidelines (Richards et al. 2015 PMID: 25741868, with internal and published modifications).

Sema4
Classification: Likely benign for Hereditary cancer-predisposing syndrome. Last evaluated: 2022-01-21. Review status: criteria provided, single submitter. Criteria: Sema4 Curation Guidelines. Collection method: curation. Allele origin: germline.

Ambry Genetics
Classification: Likely benign for Hereditary cancer-predisposing syndrome. Last evaluated: 2019-03-19. Review status: criteria provided, single submitter. Criteria: Ambry Variant Classification Scheme 2023. Collection method: clinical testing. Allele origin: germline.

NM_177438.3(DICER1):c.5172G>A (p.Pro1724=)

Gene: DICER1 (dicer 1, ribonuclease III; minus strand). Cytogenetic location: 14q32.13.
Variant type: single nucleotide variant.
Coding change: c.5172G>A on transcript NM_177438.3 (MANE Select); coding-DNA position 5172, G replaced by A.
Protein change: p.Pro1724=; no amino-acid change (proline 1724 retained).
Molecular consequence: synonymous variant.
Genome position (GRCh38, 1-based): chr14:95,094,080, C>T on the plus strand (G>A on the coding strand, the complement: DICER1 is on the minus strand). VCF-style: chr14-95094080-C-T. GRCh37 (hg19) VCF-style: chr14-95560417-C-T.
Other names: c.5172G>A, p.Pro1724= (NM_001195573.1, NM_001271282.3, NM_001291628.2 and 1 more transcripts).
Identifiers: ClinVar variation 729381 (VCV000729381.15), dbSNP rs780782755, ClinGen allele CA7330712.
Genomic context (GRCh38, chr14:95,094,080, plus strand): 5'-GATGGTGTTGTTGACCAGGGCAGACCGCAGGTCTGTCAGGACCCCCGGGGAGTGCTGCCG[C>T]GGGTCTTCATAAAGGTGCTTGGTTATGAGGTAGTCCAAAATCGCATCTCCCAGGAATTCT-3'
Protein context (NP_803187.1, residues 1714-1734): YLITKHLYED[Pro1724=]RQHSPGVLTD